The following is an entry in ClinVar:

ClinVar aggregate classification (germline): Uncertain significance (1 of 4 stars; one submission).

gnomAD v4.1: 8 of 1,613,922 alleles (0.0005%); highest among the groups gnomAD compares: African/African-American, 0.011%; no homozygotes.

Submission:

Women's Health and Genetics/Laboratory Corporation of America, LabCorp
Classification: Uncertain significance. Last evaluated: 2026-03-24. Review status: criteria provided, single submitter. Criteria: LabCorp Variant Classification Summary - May 2015. Collection method: clinical testing. Allele origin: germline.
Comment: Variant summary: GJA1 c.754G>A (p.Gly252Ser) results in a non-conservative amino acid change in the encoded protein sequence. Algorithms developed to predict the effect of missense changes on protein structure and function are either unavailable or do not agree on the potential impact of this missense change. The variant allele was found at a frequency of 4e-06 in 251474 control chromosomes. The available data on variant occurrences in the general population are insufficient to allow any conclusion about variant significance. To our knowledge, no occurrence of c.754G>A in individuals affected with GJA1-related conditions and no experimental evidence demonstrating its impact on protein function have been reported. No submitters have cited clinical-significance assessments for this variant to ClinVar. Based on the evidence outlined above, the variant was classified as uncertain significance.

NM_000165.5(GJA1):c.754G>A (p.Gly252Ser)

Gene: GJA1 (gap junction protein alpha 1; plus strand). Cytogenetic location: 6q22.31.
Variant type: single nucleotide variant.
Coding change: c.754G>A on transcript NM_000165.5 (MANE Select); coding-DNA position 754, G replaced by A.
Protein change: p.Gly252Ser; replaces glycine 252 with serine.
Molecular consequence: missense variant.
Genome position (GRCh38, 1-based): chr6:121,447,601, G>A. VCF-style: chr6-121447601-G-A. GRCh37 (hg19) VCF-style: chr6-121768747-G-A.
Other names: short protein forms G252S.
Identifiers: ClinVar variation 4847733 (VCV004847733.1).